The following is an entry in ClinVar:

NM_017780.4(CHD7):c.8792T>C (p.Val2931Ala)

Gene: CHD7 (chromodomain helicase DNA binding protein 7; plus strand). Cytogenetic location: 8q12.2.
Variant type: single nucleotide variant.
Coding change: c.8792T>C on transcript NM_017780.4 (MANE Select); coding-DNA position 8792, T replaced by C.
Protein change: p.Val2931Ala; replaces valine 2931 with alanine.
Molecular consequence: missense variant.
Genome position (GRCh38, 1-based): chr8:60,865,731, T>C. VCF-style: chr8-60865731-T-C. GRCh37 (hg19) VCF-style: chr8-61778290-T-C.
Other names: c.2645T>C, p.Val882Ala (NM_001316690.1); short protein forms V2931A, V882A.
Identifiers: ClinVar variation 578944 (VCV000578944.11), dbSNP rs754831415, ClinGen allele CA4761072.

ClinVar aggregate classification (germline): Conflicting classifications of pathogenicity. Review status: criteria provided, conflicting classifications (1 of 4 stars). 2 submissions from 2 submitters: Uncertain significance (1); Benign (1). Last evaluated 2023-07-07.

Conditions:
CHARGE syndrome (CHARGE). Also called: Hittner Hirsch Kreh syndrome; Coloboma, heart anomaly, choanal atresia, retardation, genital and ear anomalies; CHARGE association; Hall-Hittner syndrome; CHARGE ASSOCIATION--COLOBOMA, HEART ANOMALY, CHOANAL ATRESIA, RETARDATION, GENITAL AND EAR ANOMALIES. Identifiers: Orphanet 138, MedGen C0265354, MONDO:0008965.
Inborn genetic diseases. Identifiers: MedGen C0950123, MeSH D030342.

Allele frequency attached by ClinVar (database versions not stated): gnomAD exomes below 0.00001; ExAC 0.00001; TOPMed 0.00001; gnomAD 0.00003.
gnomAD v4.1: 2 of 1,611,648 alleles (0.00012%); highest among the groups gnomAD compares: African/African-American, 0.0027%; no homozygotes.

Submissions (2):

Labcorp Genetics (formerly Invitae), Labcorp
Classification: Benign for CHARGE syndrome. Last evaluated: 2023-07-07. Review status: criteria provided, single submitter. Criteria: Invitae Variant Classification Sherloc (09022015). Collection method: clinical testing. Allele origin: germline.

Ambry Genetics
Classification: Uncertain significance for Inborn genetic diseases. Last evaluated: 2021-11-29. Review status: criteria provided, single submitter. Criteria: Ambry Variant Classification Scheme 2023. Collection method: clinical testing. Allele origin: germline.
Comment: The p.V2931A variant (also known as c.8792T>C), located in coding exon 37 of the CHD7 gene, results from a T to C substitution at nucleotide position 8792. The valine at codon 2931 is replaced by alanine, an amino acid with similar properties. This amino acid position is conserved. In addition, the in silico prediction for this alteration is inconclusive. Since supporting evidence is limited at this time, the clinical significance of this alteration remains unclear.